The following is an entry in ClinVar:

NM_000159.4(GCDH):c.1126G>T (p.Gly376Trp)

Gene: GCDH (glutaryl-CoA dehydrogenase; plus strand). Cytogenetic location: 19p13.13.
Variant type: single nucleotide variant.
Coding change: c.1126G>T on transcript NM_000159.4 (MANE Select); coding-DNA position 1126, G replaced by T.
Protein change: p.Gly376Trp; replaces glycine 376 with tryptophan.
Molecular consequence: missense variant. On other transcripts: non-coding transcript variant (2).
Genome position (GRCh38, 1-based): chr19:12,897,746, G>T. VCF-style: chr19-12897746-G-T. GRCh37 (hg19) VCF-style: chr19-13008560-G-T.
Other names: c.1126G>T, p.Gly376Trp (NM_013976.5); short protein forms G376W.
Identifiers: ClinVar variation 4773340 (VCV004773340.1).

ClinVar aggregate classification (germline): Likely pathogenic (1 of 4 stars; one submission).

Conditions:
Glutaric aciduria, type 1. Also called: Glutaryl-CoA dehydrogenase deficiency; GA I; Glutaricaciduria, type I; Glutaric acidemia type I; Glutaricacidemia Type 1; Glutaric Acidemia Type 1. Identifiers: Orphanet 25, MedGen C0268595, MONDO:0009281, OMIM 231670.

Submission:

Labcorp Genetics (formerly Invitae), Labcorp
Classification: Likely pathogenic for Glutaric aciduria, type 1. Last evaluated: 2025-11-27. Review status: criteria provided, single submitter. Criteria: Invitae Variant Classification Sherloc (09022015). Collection method: clinical testing. Allele origin: germline.
Comment: This sequence change replaces glycine, which is neutral and non-polar, with tryptophan, which is neutral and slightly polar, at codon 376 of the GCDH protein (p.Gly376Trp). This variant is not present in population databases (gnomAD no frequency). This missense change has been observed in individual(s) with clinical features of glutaric acidemia type I (internal data). Invitae Evidence Modeling of protein sequence and biophysical properties (such as structural, functional, and spatial information, amino acid conservation, physicochemical variation, residue mobility, and thermodynamic stability) indicates that this missense variant is expected to disrupt GCDH protein function with a positive predictive value of 80%. This variant disrupts the p.Gly376 amino acid residue in GCDH. Other variant(s) that disrupt this residue have been observed in individuals with GCDH-related conditions (PMID: 29665094), which suggests that this may be a clinically significant amino acid residue. In summary, the currently available evidence indicates that the variant is pathogenic, but additional data are needed to prove that conclusively. Therefore, this variant has been classified as Likely Pathogenic.

Literature cited by the submitters: PubMed 29665094.